The following is an entry in ClinVar:

ClinVar aggregate classification (germline): Conflicting classifications of pathogenicity. Review status: criteria provided, conflicting classifications (1 of 4 stars). 7 submissions from 7 submitters: Uncertain significance (3); Likely benign (2). 2 of the submissions do not count toward it. Last evaluated 2026-01-20.

Conditions:
Hereditary breast ovarian cancer syndrome. Also called: Hereditary breast and ovarian cancer syndrome; Hereditary breast and ovarian cancer; Hereditary breast and ovarian cancer syndrome (HBOC); Breast and ovarian cancer; Hereditary breast and/or ovarian cancer syndrome; BRCA1- and BRCA2-Associated Hereditary Breast and Ovarian Cancer. Identifiers: Orphanet 145, MedGen C0677776, MeSH D061325, MONDO:0003582. Disease mechanism: loss of function.
Hereditary cancer-predisposing syndrome. Also called: Neoplastic Syndromes, Hereditary; Tumor predisposition; Hereditary neoplastic syndrome; Hereditary Cancer Syndrome. Identifiers: Orphanet 140162, MedGen C0027672, MeSH D009386, MONDO:0015356.
Breast-ovarian cancer, familial, susceptibility to, 2 (BROVCA2). Also called: BRCA2 Hereditary Breast and Ovarian Cancer. Identifiers: Orphanet 145, MedGen C2675520, MONDO:0012933, OMIM 612555. Disease mechanism: loss of function.

Allele frequency attached by ClinVar (database versions not stated): gnomAD exomes 0.00001.
gnomAD v4.1: 16 of 1,612,146 alleles (0.00099%); highest among the groups gnomAD compares: African/African-American, 0.0013%; no homozygotes.

Submissions (7):

Labcorp Genetics (formerly Invitae), Labcorp
Classification: Uncertain significance for Hereditary breast ovarian cancer syndrome. Last evaluated: 2026-01-20. Review status: criteria provided, single submitter. Criteria: Invitae Variant Classification Sherloc (09022015). Collection method: clinical testing. Allele origin: germline.
Comment: This sequence change replaces glycine, which is neutral and non-polar, with glutamic acid, which is acidic and polar, at codon 1761 of the BRCA2 protein (p.Gly1761Glu). This variant is not present in population databases (gnomAD no frequency). This missense change has been observed in individual(s) with clinical features of BRCA2-related conditions (PMID: 10923033). ClinVar contains an entry for this variant (Variation ID: 51834). Invitae Evidence Modeling of protein sequence and biophysical properties (such as structural, functional, and spatial information, amino acid conservation, physicochemical variation, residue mobility, and thermodynamic stability) indicates that this missense variant is not expected to disrupt BRCA2 protein function with a negative predictive value of 95%. In summary, the available evidence is currently insufficient to determine the role of this variant in disease. Therefore, it has been classified as a Variant of Uncertain Significance.

Color Diagnostics, LLC DBA Color Health
Classification: Uncertain significance for Hereditary cancer-predisposing syndrome. Last evaluated: 2023-04-19. Review status: criteria provided, single submitter. Criteria: ACMG Guidelines, 2015. Collection method: clinical testing. Allele origin: germline.
Comment: This missense variant replaces glycine with glutamic acid at codon 1761 of the BRCA2 protein. Computational prediction suggests that this variant may not impact protein structure and function (internally defined REVEL score threshold <= 0.5, PMID: 27666373). To our knowledge, functional studies have not been reported for this variant. This variant has not been reported in individuals affected with BRCA2-related disorders in the literature. This variant has not been identified in the general population by the Genome Aggregation Database (gnomAD). The available evidence is insufficient to determine the role of this variant in disease conclusively. Therefore, this variant is classified as a Variant of Uncertain Significance.

University of Washington Department of Laboratory Medicine, University of Washington
Classification: Likely benign for Hereditary cancer-predisposing syndrome. Last evaluated: 2023-03-23. Review status: criteria provided, single submitter. Criteria: Dines et al. (Genet Med. 2020). Collection method: curation. Allele origin: germline.
Comment: Missense variant in a coldspot region where missense variants are very unlikely to be pathogenic (PMID:31911673).

BRCA2 exon 11 coldspot. Reclassification based on statistical prior probability.

Ambry Genetics
Classification: Likely benign for Hereditary cancer-predisposing syndrome. Last evaluated: 2020-12-15. Review status: criteria provided, single submitter. Criteria: Ambry Variant Classification Scheme 2023. Collection method: clinical testing. Allele origin: germline.

Quest Diagnostics Nichols Institute San Juan Capistrano
Classification: Uncertain significance. Last evaluated: 2020-10-01. Review status: criteria provided, single submitter. Criteria: Quest Diagnostics criteria. Collection method: clinical testing. Allele origin: unknown.

Sharing Clinical Reports Project (SCRP)
Classification: Uncertain significance for Breast-ovarian cancer, familial 2. Last evaluated: 2011-08-31. Review status: no assertion criteria provided. Collection method: clinical testing. Allele origin: germline. Not counted in ClinVar's aggregate classification.

Breast Cancer Information Core (BIC) (BRCA2)
Classification: Uncertain significance for Breast-ovarian cancer, familial 2. Last evaluated: 2002-05-29. Review status: no assertion criteria provided. Collection method: clinical testing. Allele origin: germline. Affected: yes. Observed: 1 variant allele. Not counted in ClinVar's aggregate classification.

Literature cited by the submitters: PubMed 10923033 (cited by Labcorp Genetics (formerly Invitae), Labcorp).

NM_000059.4(BRCA2):c.5282G>A (p.Gly1761Glu)

Gene: BRCA2 (BRCA2 DNA repair associated; plus strand). Cytogenetic location: 13q13.1.
Variant type: single nucleotide variant.
Coding change: c.5282G>A on transcript NM_000059.4 (MANE Select); coding-DNA position 5282, G replaced by A.
Protein change: p.Gly1761Glu; replaces glycine 1761 with glutamic acid.
Molecular consequence: missense variant.
Genome position (GRCh38, 1-based): chr13:32,339,637, G>A. VCF-style: chr13-32339637-G-A. GRCh37 (hg19) VCF-style: chr13-32913774-G-A.
Other names: 5510G>A; short protein forms G1761E.
Identifiers: ClinVar variation 51834 (VCV000051834.17), dbSNP rs80358752, ClinGen allele CA021937.